The following is an entry in ClinVar:

GRCh37/hg19 7q31.1(chr7:110968770-111390462)x3

Genes: DOCK4 (dedicator of cytokinesis 4; minus strand), IMMP2L (inner mitochondrial membrane peptidase subunit 2; minus strand). Cytogenetic location: 7q31.1.
Variant type: copy number gain.
Change: copy number 3 (three copies instead of two) of chr7:110,968,770-111,390,462 (421.7 kb, GRCh37 coordinates, 1-based), cytogenetic band 7q31.1.
Identifiers: ClinVar variation 638112 (VCV000638112.2).

ClinVar aggregate classification (germline): Uncertain significance (1 of 4 stars; one submission).

Submission:

Clinical Genomics Laboratory, Laboratory for Precision Diagnostics, University of Washington
Classification: Uncertain significance. Last evaluated: 2018-08-28. Review status: criteria provided, single submitter. Criteria: Clinical Cytogenomics Laboratory Policy on CNV Interpretation. Collection method: clinical testing. Allele origin: unknown. Affected: yes. Observed: 1 variant allele.